The following is an entry in ClinVar:

NM_016188.5(ACTL6B):c.556C>T (p.Gln186Ter)

Gene: ACTL6B (actin like 6B; minus strand). Cytogenetic location: 7q22.1.
Variant type: single nucleotide variant.
Coding change: c.556C>T on transcript NM_016188.5 (MANE Select); coding-DNA position 556, C replaced by T.
Protein change: p.Gln186Ter; replaces glutamine 186 with a stop codon.
Molecular consequence: nonsense. On other transcripts: non-coding transcript variant (1).
Genome position (GRCh38, 1-based): chr7:100,648,735, G>A on the plus strand (C>T on the coding strand, the complement: ACTL6B is on the minus strand). VCF-style: chr7-100648735-G-A. GRCh37 (hg19) VCF-style: chr7-100246358-G-A.
Other names: short protein forms Q186*.
Identifiers: ClinVar variation 692138 (VCV000692138.4), dbSNP rs1584468891, ClinGen allele CA368545467.
Genomic context (GRCh38, chr7:100,648,735, plus strand): 5'-CACTGTCAGGACCTGGTCCTCCTGGAGCACCCCCACCCCCTGCCGAAGCCCCACCTTGCT[G>A]CAGAACGTAGCCGTCATGTACTGGAATGGCCGTGGTGTGGGTGGCTCCACTGTCCAGCAC-3'

ClinVar aggregate classification (germline): Pathogenic/Likely pathogenic. Review status: criteria provided, multiple submitters, no conflicts (2 of 4 stars). 3 submissions from 3 submitters: Pathogenic (1); Likely pathogenic (1). 1 of the submissions does not count toward it. Last evaluated 2025-04-22.

Conditions:
Developmental and epileptic encephalopathy, 76. Also called: EPILEPTIC ENCEPHALOPATHY, EARLY INFANTILE, 76; DEVELOPMENTAL DELAY, EPILEPTIC ENCEPHALOPATHY, CEREBRAL ATROPHY, AND ABNORMAL MYELINATION. Identifiers: MedGen C5193113, MONDO:0032768, OMIM 618468.
ACTL6B-related recessive epilepsy.

Submissions (3):

3billion
Classification: Pathogenic for Developmental and epileptic encephalopathy, 76. Last evaluated: 2025-04-22. Review status: criteria provided, single submitter. Criteria: ACMG Guidelines, 2015. Collection method: clinical testing. Allele origin: germline. Affected: yes.
Comment: The variant is not observed in the gnomAD v4.1.0 dataset. Predicted Consequence/Location: Stop-gained (nonsense): predicted to result in a loss or disruption of normal protein function through nonsense-mediated decay (NMD) or protein truncation. Multiple pathogenic variants are reported downstream of the variant. The variant has been reported to be associated with ACTL6B-related disorder (ClinVar ID: VCV000692138 / PMID: 31031012). Therefore, this variant is classified as Pathogenic according to the recommendation of ACMG/AMP guideline.

SIB Swiss Institute of Bioinformatics
Classification: Likely pathogenic for Developmental and epileptic encephalopathy, 76. Last evaluated: 2019-07-28. Review status: criteria provided, single submitter. Criteria: ACMG Guidelines, 2015. Collection method: curation. Allele origin: unknown.
Comment: This variant is interpreted as a Likely pathogenic for Epileptic encephalopathy, early infantile, 76, autosomal recessive. The following ACMG Tag(s) were applied: PM2, PVS1-Strong.

CHU Sainte-Justine Research Center, University of Montreal
Classification: Likely pathogenic for ACTL6B-related recessive epilepsy. Last evaluated: 2019-03-01. Review status: no assertion criteria provided. Collection method: research. Allele origin: germline. Affected: yes. Not counted in ClinVar's aggregate classification.

Literature cited by the submitters: PubMed 31031012 (cited by 3billion and SIB Swiss Institute of Bioinformatics).